The following is an entry in ClinVar:

ClinVar aggregate classification (germline): Conflicting classifications of pathogenicity. Review status: criteria provided, conflicting classifications (1 of 4 stars). 3 submissions from 3 submitters: Uncertain significance (1); Likely benign (2). Last evaluated 2025-09-24.

Allele frequency attached by ClinVar (database versions not stated): TOPMed below 0.00001; ExAC 0.00005; ESP Exome Variant Server 0.00008.
gnomAD v4.1: 28 of 1,613,726 alleles (0.0017%); highest among the groups gnomAD compares: South Asian, 0.0022%; no homozygotes.

Submissions (3):

GeneDx
Classification: Uncertain significance. Last evaluated: 2025-09-24. Review status: criteria provided, single submitter. Criteria: GeneDx Variant Classification Process June 2021. Collection method: clinical testing. Allele origin: germline. Affected: yes.
Comment: Has not been previously published as pathogenic or benign to our knowledge; In silico analysis supports that this missense variant has a deleterious effect on protein structure/function; Not located in the triple helical region, where the majority of pathogenic missense variants occur (HGMD; PMID: 25240749); This variant is associated with the following publications: (PMID: 25240749)

Labcorp Genetics (formerly Invitae), Labcorp
Classification: Likely benign. Last evaluated: 2025-07-13. Review status: criteria provided, single submitter. Criteria: Invitae Variant Classification Sherloc (09022015). Collection method: clinical testing. Allele origin: germline.

Blueprint Genetics
Classification: Likely benign. Last evaluated: 2024-02-23. Review status: criteria provided, single submitter. Criteria: ACMG Guidelines, 2015. Collection method: clinical testing. Allele origin: germline.

NM_001854.4(COL11A1):c.4814G>A (p.Arg1605Gln)

Gene: COL11A1 (collagen type XI alpha 1 chain; minus strand). Cytogenetic location: 1p21.1.
Variant type: single nucleotide variant.
Coding change: c.4814G>A on transcript NM_001854.4 (MANE Select); coding-DNA position 4814, G replaced by A.
Protein change: p.Arg1605Gln; replaces arginine 1605 with glutamine.
Molecular consequence: missense variant. On other transcripts: non-coding transcript variant (1).
Genome position (GRCh38, 1-based): chr1:102,886,851, C>T on the plus strand (G>A on the coding strand, the complement: COL11A1 is on the minus strand). VCF-style: chr1-102886851-C-T. GRCh37 (hg19) VCF-style: chr1-103352407-C-T.
Other names: c.4466G>A, p.Arg1489Gln (NM_001168249.1, NM_080630.4); c.4697G>A, p.Arg1566Gln (NM_001190709.2); c.4850G>A, p.Arg1617Gln (NM_080629.3); c.4814G>A (NM_001854.3); short protein forms R1566Q, R1489Q, R1605Q, R1617Q.
Identifiers: ClinVar variation 1976000 (VCV001976000.9), dbSNP rs371100196, ClinGen allele CA973403.
Genomic context (GRCh38, chr1:102,886,851, plus strand): 5'-TGTATTATTTACATACCATCTGGGAAGTCAGGATGGCTGAGTTGCAGGTCTTTACAAGTT[C>T]GGGCTGGATTGGTCTGAGTACCCATTGGAAATTTCATATGCTCAATGTCTTGTTTCAGGG-3'
Protein context (NP_001845.3, residues 1595-1615): FPMGTQTNPA[Arg1605Gln]TCKDLQLSHP